The following is an entry in ClinVar:

NM_032856.5(WDR73):c.732T>G (p.Leu244=)

Gene: WDR73 (WD repeat domain 73; minus strand). Cytogenetic location: 15q25.2.
Variant type: single nucleotide variant.
Coding change: c.732T>G on transcript NM_032856.5 (MANE Select); coding-DNA position 732, T replaced by G.
Protein change: p.Leu244=; no amino-acid change (leucine 244 retained).
Molecular consequence: synonymous variant. On other transcripts: non-coding transcript variant (4).
Genome position (GRCh38, 1-based): chr15:84,645,622, A>C on the plus strand (T>G on the coding strand, the complement: WDR73 is on the minus strand). VCF-style: chr15-84645622-A-C. GRCh37 (hg19) VCF-style: chr15-85188853-A-C.
Other names: c.732T>G (NM_032856.3).
Identifiers: ClinVar variation 2170134 (VCV002170134.7), dbSNP rs368845592, ClinGen allele CA7707263.
Genomic context (GRCh38, chr15:84,645,622, plus strand): 5'-TGAGCTCACAGGATGGCAGAGATCCCGGGGGTCAAGAAGACAAAGACGCCCATCTGAGCC[A>C]AGGCTGGCAATGCTGGGCCCAGGGCCCTGGCCCCAGCTCCCAACTTCAGCACACCATCTC-3'
Protein context (NP_116245.2, residues 234-254): GQGPGPSIAS[Leu244=]GSDGRLCLLD

ClinVar aggregate classification (germline): Likely benign. Review status: criteria provided, multiple submitters, no conflicts (2 of 4 stars). 3 submissions from 3 submitters: Likely benign (2). 1 of the submissions does not count toward it. Last evaluated 2025-12-13.

Conditions:
WDR73-related disorder. Also called: WDR73-related disorders; WDR73-related condition.

Allele frequency attached by ClinVar (database versions not stated): ESP Exome Variant Server 0.00016; gnomAD 0.00016; TOPMed 0.00023.
gnomAD v4.1: 63 of 1,609,184 alleles (0.0039%); highest among the groups gnomAD compares: African/African-American, 0.073%; no homozygotes.

Submissions (3):

Labcorp Genetics (formerly Invitae), Labcorp
Classification: Likely benign. Last evaluated: 2025-12-13. Review status: criteria provided, single submitter. Criteria: Invitae Variant Classification Sherloc (09022015). Collection method: clinical testing. Allele origin: germline.

Blueprint Genetics
Classification: Likely benign. Last evaluated: 2024-08-06. Review status: criteria provided, single submitter. Criteria: ACMG Guidelines, 2015. Collection method: clinical testing. Allele origin: germline.

PreventionGenetics, part of Exact Sciences
Classification: Likely benign for WDR73-related condition. Last evaluated: 2022-06-14. Review status: no assertion criteria provided. Collection method: clinical testing. Allele origin: germline. Not counted in ClinVar's aggregate classification.
Comment: This variant is classified as likely benign based on ACMG/AMP sequence variant interpretation guidelines (Richards et al. 2015 PMID: 25741868, with internal and published modifications).